The following is an entry in ClinVar:

ClinVar aggregate classification (germline): Likely benign. Review status: criteria provided, multiple submitters, no conflicts (2 of 4 stars). 2 submissions from 2 submitters: Likely benign (2). Last evaluated 2025-05-08.

Conditions:
Holocarboxylase synthetase deficiency. Also called: MULTIPLE CARBOXYLASE DEFICIENCY, EARLY ONSET. Identifiers: Orphanet 79242, MedGen C0268581, MONDO:0009666, OMIM 253270.

Allele frequency attached by ClinVar (database versions not stated): TOPMed 0.00004.
gnomAD v4.1: 26 of 1,613,956 alleles (0.0016%); highest among the groups gnomAD compares: East Asian, 0.022%; no homozygotes.

Submissions (2):

Labcorp Genetics (formerly Invitae), Labcorp
Classification: Likely benign for Holocarboxylase synthetase deficiency. Last evaluated: 2025-05-08. Review status: criteria provided, single submitter. Criteria: Invitae Variant Classification Sherloc (09022015). Collection method: clinical testing. Allele origin: germline.

GeneDx
Classification: Likely benign. Last evaluated: 2018-01-29. Review status: criteria provided, single submitter. Criteria: GeneDx Variant Classification (06012015). Collection method: clinical testing. Allele origin: germline. Affected: yes.
Comment: This variant is considered likely benign or benign based on one or more of the following criteria: it is a conservative change, it occurs at a poorly conserved position in the protein, it is predicted to be benign by multiple in silico algorithms, and/or has population frequency not consistent with disease.

NM_001352514.2(HLCS):c.1950C>T (p.Thr650=)

Gene: HLCS (holocarboxylase synthetase; minus strand). Cytogenetic location: 21q22.13.
Variant type: single nucleotide variant.
Coding change: c.1950C>T on transcript NM_001352514.2 (MANE Select); coding-DNA position 1950, C replaced by T.
Protein change: p.Thr650=; no amino-acid change (threonine 650 retained).
Molecular consequence: synonymous variant. On other transcripts: non-coding transcript variant (2).
Genome position (GRCh38, 1-based): chr21:36,767,228, G>A on the plus strand (C>T on the coding strand, the complement: HLCS is on the minus strand). VCF-style: chr21-36767228-G-A. GRCh37 (hg19) VCF-style: chr21-38139529-G-A.
Other names: c.1509C>T, p.Thr503= (NM_000411.8, NM_001242784.3, NM_001242785.2 and 4 more transcripts).
Identifiers: ClinVar variation 514770 (VCV000514770.9), dbSNP rs201813658, ClinGen allele CA10020417.